The following is an entry in ClinVar:

NM_025144.4(ALPK1):c.1121C>T (p.Thr374Met)

Gene: ALPK1 (alpha kinase 1; plus strand). Cytogenetic location: 4q25.
Variant type: single nucleotide variant.
Coding change: c.1121C>T on transcript NM_025144.4 (MANE Select); coding-DNA position 1121, C replaced by T.
Protein change: p.Thr374Met; replaces threonine 374 with methionine.
Molecular consequence: missense variant.
Genome position (GRCh38, 1-based): chr4:112,430,668, C>T. VCF-style: chr4-112430668-C-T. GRCh37 (hg19) VCF-style: chr4-113351824-C-T.
Other names: c.1121C>T, p.Thr374Met (NM_001102406.2); c.887C>T, p.Thr296Met (NM_001253884.2); short protein forms T374M, T296M.
Identifiers: ClinVar variation 2963385 (VCV002963385.3), dbSNP rs772519624, ClinGen allele CA3046669.

ClinVar aggregate classification (germline): Uncertain significance (1 of 4 stars; one submission).

Allele frequency attached by ClinVar (database versions not stated): gnomAD 0.00003; gnomAD exomes 0.00006; TOPMed 0.00003; ExAC 0.00004.
gnomAD v4.1: 90 of 1,614,012 alleles (0.0056%); highest among the groups gnomAD compares: South Asian, 0.021%; no homozygotes.

Submission:

Labcorp Genetics (formerly Invitae), Labcorp
Classification: Uncertain significance. Last evaluated: 2025-08-14. Review status: criteria provided, single submitter. Criteria: Invitae Variant Classification Sherloc (09022015). Collection method: clinical testing. Allele origin: germline.
Comment: This sequence change replaces threonine, which is neutral and polar, with methionine, which is neutral and non-polar, at codon 374 of the ALPK1 protein (p.Thr374Met). This variant is present in population databases (rs772519624, gnomAD 0.01%). This variant has not been reported in the literature in individuals affected with ALPK1-related conditions. ClinVar contains an entry for this variant (Variation ID: 2963385). Invitae Evidence Modeling of protein sequence and biophysical properties (such as structural, functional, and spatial information, amino acid conservation, physicochemical variation, residue mobility, and thermodynamic stability) indicates that this missense variant is not expected to disrupt ALPK1 protein function with a negative predictive value of 80%. In summary, the available evidence is currently insufficient to determine the role of this variant in disease. Therefore, it has been classified as a Variant of Uncertain Significance.